The following is an entry in ClinVar:

ClinVar aggregate classification (germline): Benign/Likely benign. Review status: criteria provided, multiple submitters, no conflicts (2 of 4 stars). 6 submissions from 6 submitters: Benign (3); Likely benign (1). 2 of the submissions do not count toward it. Last evaluated 2026-02-04.

Conditions:
SLC45A2-related disorder. Also called: SLC45A2-related condition.
Oculocutaneous albinism type 4 (OCA4). Also called: Albinism, oculocutaneous, type IV. Identifiers: Orphanet 79435, MedGen C1847836, MONDO:0011683, OMIM 606574.
SKIN/HAIR/EYE PIGMENTATION 5, BLACK/NONBLACK HAIR (SHEP5). Also called: SKIN/HAIR/EYE PIGMENTATION, VARIATION IN, 5; SKIN/HAIR/EYE PIGMENTATION 5, DARK/FAIR SKIN; SKIN/HAIR/EYE PIGMENTATION 5, DARK/LIGHT EYES. Identifiers: MedGen C2673584, OMIM 227240.

Allele frequency attached by ClinVar (database versions not stated): ExAC 0.10698; gnomAD exomes 0.11790 and 0.04755; 1000 Genomes Project 30x 0.17380; 1000 Genomes Project 0.17812; TOPMed 0.08423; gnomAD 0.05621 and 0.06606.
gnomAD v4.1: 80,813 of 1,614,096 alleles (5%); highest among the groups gnomAD compares: East Asian, 36%; 8,984 homozygotes.

Submissions (6):

Labcorp Genetics (formerly Invitae), Labcorp
Classification: Benign. Last evaluated: 2026-02-04. Review status: criteria provided, single submitter. Criteria: Invitae Variant Classification Sherloc (09022015). Collection method: clinical testing. Allele origin: germline.

GeneDx
Classification: Benign. Last evaluated: 2018-11-12. Review status: criteria provided, single submitter. Criteria: GeneDx Variant Classification Process June 2021. Collection method: clinical testing. Allele origin: germline. Affected: yes.
Comment: This variant is associated with the following publications: (PMID: 15714523, 23071798, 22071478)

Illumina Laboratory Services, Illumina
Classification: Benign for Oculocutaneous albinism type 4. Last evaluated: 2018-03-06. Review status: criteria provided, single submitter. Criteria: ICSL Variant Classification Criteria 13 December 2019. Collection method: clinical testing. Allele origin: germline.
Comment: This variant was observed in the ICSL laboratory as part of a predisposition screen in an ostensibly healthy population. It had not been previously curated by ICSL or reported in the Human Gene Mutation Database (HGMD: prior to June 1st, 2018), and was therefore a candidate for classification through an automated scoring system. Utilizing variant allele frequency, disease prevalence and penetrance estimates, and inheritance mode, an automated score was calculated to assess if this variant is too frequent to cause the disease. Based on the score and internal cut-off values, a variant classified as benign is not then subjected to further curation. The score for this variant resulted in a classification of benign for this disease.

Breakthrough Genomics
Classification: Likely benign. Review status: criteria provided, single submitter. Criteria: ACMG Guidelines, 2015. Collection method: not provided. Allele origin: germline. Inheritance: Autosomal recessive inheritance. Affected: yes.

PreventionGenetics, part of Exact Sciences
Classification: Benign for SLC45A2-related condition. Last evaluated: 2021-09-22. Review status: no assertion criteria provided. Collection method: clinical testing. Allele origin: germline. Not counted in ClinVar's aggregate classification.
Comment: This variant is classified as benign based on ACMG/AMP sequence variant interpretation guidelines (Richards et al. 2015 PMID: 25741868, with internal and published modifications).

OMIM
Classification: association for SKIN/HAIR/EYE PIGMENTATION 5, BLACK/NONBLACK HAIR. Last evaluated: 2018-02-13. Review status: no assertion criteria provided. Collection method: literature only. Allele origin: germline. Not counted in ClinVar's aggregate classification.

Literature cited by the submitters: PubMed 15714523 (cited by OMIM).

NM_016180.5(SLC45A2):c.814G>A (p.Glu272Lys)

Gene: SLC45A2 (solute carrier family 45 member 2; minus strand). Cytogenetic location: 5p13.2.
Variant type: single nucleotide variant.
Coding change: c.814G>A on transcript NM_016180.5 (MANE Select); coding-DNA position 814, G replaced by A.
Protein change: p.Glu272Lys; replaces glutamic acid 272 with lysine.
Molecular consequence: missense variant. On other transcripts: intron variant (1).
Genome position (GRCh38, 1-based): chr5:33,963,765, C>T on the plus strand (G>A on the coding strand, the complement: SLC45A2 is on the minus strand). VCF-style: chr5-33963765-C-T. GRCh37 (hg19) VCF-style: chr5-33963870-C-T.
Other names: c.814G>A, p.Glu272Lys (NM_001012509.4); c.563-9261G>A (NM_001297417.4); c.814G>A (NM_016180.4); short protein forms E272K.
Identifiers: ClinVar variation 4504 (VCV000004504.20), dbSNP rs26722, ClinGen allele CA116899.